The following is an entry in ClinVar:

NM_016013.4(NDUFAF1):c.214A>T (p.Thr72Ser)

Gene: NDUFAF1 (NADH:ubiquinone oxidoreductase complex assembly factor 1; minus strand). Cytogenetic location: 15q15.1.
Variant type: single nucleotide variant.
Coding change: c.214A>T on transcript NM_016013.4 (MANE Select); coding-DNA position 214, A replaced by T.
Protein change: p.Thr72Ser; replaces threonine 72 with serine.
Molecular consequence: missense variant. On other transcripts: non-coding transcript variant (3).
Genome position (GRCh38, 1-based): chr15:41,396,846, T>A on the plus strand (A>T on the coding strand, the complement: NDUFAF1 is on the minus strand). VCF-style: chr15-41396846-T-A. GRCh37 (hg19) VCF-style: chr15-41689044-T-A.
Other names: c.214A>T, p.Thr72Ser (NM_001437486.1, NM_001437487.1, NM_001437488.1 and 2 more transcripts); short protein forms T72S.
Identifiers: ClinVar variation 4769583 (VCV004769583.1).

ClinVar aggregate classification (germline): Uncertain significance (1 of 4 stars; one submission).

gnomAD v4.1: 1 of 1,614,088 alleles (0.000062%); highest among the groups gnomAD compares: Admixed American, 0.0017%; no homozygotes.

Submission:

Labcorp Genetics (formerly Invitae), Labcorp
Classification: Uncertain significance. Last evaluated: 2026-01-27. Review status: criteria provided, single submitter. Criteria: Invitae Variant Classification Sherloc (09022015). Collection method: clinical testing. Allele origin: germline.
Comment: This sequence change replaces threonine, which is neutral and polar, with serine, which is neutral and polar, at codon 72 of the NDUFAF1 protein (p.Thr72Ser). This variant is present in population databases (rs770749376, gnomAD 0.003%). This variant has not been reported in the literature in individuals affected with NDUFAF1-related conditions. Invitae Evidence Modeling of protein sequence and biophysical properties (such as structural, functional, and spatial information, amino acid conservation, physicochemical variation, residue mobility, and thermodynamic stability) indicates that this missense variant is not expected to disrupt NDUFAF1 protein function with a negative predictive value of 80%. In summary, the available evidence is currently insufficient to determine the role of this variant in disease. Therefore, it has been classified as a Variant of Uncertain Significance.